The following is an entry in ClinVar:

NM_000426.4(LAMA2):c.5726+39T>C

Gene: LAMA2 (laminin subunit alpha 2; plus strand). Cytogenetic location: 6q22.33.
Variant type: single nucleotide variant.
Coding change: c.5726+39T>C on transcript NM_000426.4 (MANE Select); 39 bases into the intron after coding-DNA position 5726, T replaced by C.
Molecular consequence: intron variant.
Genome position (GRCh38, 1-based): chr6:129,402,526, T>C. VCF-style: chr6-129402526-T-C. GRCh37 (hg19) VCF-style: chr6-129723671-T-C.
Other names: c.5726+39T>C (NM_001079823.2).
Identifiers: ClinVar variation 678260 (VCV000678260.1), dbSNP rs73774810, ClinGen allele CA3993962.

ClinVar aggregate classification (germline): Likely benign (1 of 4 stars; one submission).

Allele frequency attached by ClinVar (database versions not stated): gnomAD exomes 0.00129 and 0.00345; ExAC 0.00439; gnomAD 0.01327 and 0.01432; TOPMed 0.01503; ESP Exome Variant Server 0.01630; 1000 Genomes Project 0.01737; 1000 Genomes Project 30x 0.01796.
gnomAD v4.1: 3,944 of 1,596,140 alleles (0.25%); highest among the groups gnomAD compares: African/African-American, 4.8%; 96 homozygotes.

Submission:

GeneDx
Classification: Likely benign. Last evaluated: 2018-06-19. Review status: criteria provided, single submitter. Criteria: GeneDx Variant Classification (06012015). Collection method: clinical testing. Allele origin: germline. Affected: yes.
Comment: This variant is considered likely benign or benign based on one or more of the following criteria: it is a conservative change, it occurs at a poorly conserved position in the protein, it is predicted to be benign by multiple in silico algorithms, and/or has population frequency not consistent with disease.